The following is an entry in ClinVar:

NM_001079802.2(FKTN):c.910+13C>T

Gene: FKTN (fukutin; plus strand). Cytogenetic location: 9q31.2.
Variant type: single nucleotide variant.
Coding change: c.910+13C>T on transcript NM_001079802.2 (MANE Select); 13 bases into the intron after coding-DNA position 910, C replaced by T.
Molecular consequence: intron variant.
Genome position (GRCh38, 1-based): chr9:105,615,420, C>T. VCF-style: chr9-105615420-C-T. GRCh37 (hg19) VCF-style: chr9-108377701-C-T.
Other names: c.910+13C>T (NM_006731.2, NM_001351496.2, NM_001198963.2 and 1 more transcripts); c.514+13C>T (NM_001351502.2, NM_001351499.2, NM_001351500.2 and 1 more transcripts); c.841+13C>T (NM_001351497.2).
Identifiers: ClinVar variation 257334 (VCV000257334.11), dbSNP rs375259473, ClinGen allele CA5170516.

ClinVar aggregate classification (germline): Benign/Likely benign. Review status: criteria provided, multiple submitters, no conflicts (2 of 4 stars). 5 submissions from 5 submitters: Benign (1); Likely benign (4). Last evaluated 2026-02-03.

Conditions:
Walker-Warburg congenital muscular dystrophy. Also called: Muscular dystrophy-dystroglycanopathy, type A; Walker-Warburg syndrome. Identifiers: Orphanet 899, MedGen C0265221, MONDO:0000171.
Autosomal recessive limb-girdle muscular dystrophy type 2M. Also called: MUSCULAR DYSTROPHY-DYSTROGLYCANOPATHY (LIMB-GIRDLE), TYPE C, 4; MUSCULAR DYSTROPHY, LIMB-GIRDLE, TYPE 2M. Identifiers: Orphanet 206554, MedGen C1969040, MONDO:0012699, OMIM 611588.
Muscular dystrophy-dystroglycanopathy (congenital with brain and eye anomalies), type A1 (MDDGA1). Also called: WALKER-WARBURG SYNDROME OR MUSCLE-EYE-BRAIN DISEASE, POMT1-RELATED; Hydrocephalus, agyria and retinal dysplasia; Hard +/- E syndrome; Warburg syndrome; Chemke syndrome; Pagon syndrome. Identifiers: Orphanet 588, Orphanet 899, MedGen C4284790, MONDO:0009364, OMIM 236670.
Dilated cardiomyopathy 1X (CMD1X). Also called: FKTN-Related Dilated Cardiomyopathy; CARDIOMYOPATHY, DILATED, WITH MILD OR NO PROXIMAL MUSCLE WEAKNESS. Identifiers: Orphanet 154, MedGen C1969024, MONDO:0012704, OMIM 611615.
Muscular dystrophy-dystroglycanopathy (congenital with brain and eye anomalies), type A, 4 (MDDGA4). Also called: Muscular dystrophy, congenital progressive, with mental retardation; Muscular dystrophy, congenital, with central nervous system involvement; Cerebromuscular dystrophy, Fukuyama type; Fukuyama congenital muscular dystrophy; Walker-Warburg Syndrome, Fktn-Related; Congenital muscular dystrophy-dystroglycanopathy with brain and eye anomalies, type A4. Identifiers: Orphanet 272, Orphanet 588, Orphanet 899, MedGen C0410174, MONDO:0009678, OMIM 253800.
Muscular dystrophy-dystroglycanopathy (congenital without impaired intellectual development), type B, 4. Also called: Muscular dystrophy-dystroglycanopathy (congenital without intellectual disability), type B4; MUSCULAR DYSTROPHY, CONGENITAL, FKTN-RELATED. Identifiers: MedGen C2751052, MONDO:0013156, OMIM 613152.

Allele frequency attached by ClinVar (database versions not stated): ESP Exome Variant Server 0.00023; gnomAD 0.00023 and 0.00026; ExAC 0.00032; TOPMed 0.00035.
gnomAD v4.1: 263 of 1,613,458 alleles (0.016%); highest among the groups gnomAD compares: Admixed American, 0.14%; 1 homozygote.

Submissions (5):

Labcorp Genetics (formerly Invitae), Labcorp
Classification: Benign for Walker-Warburg congenital muscular dystrophy. Last evaluated: 2026-02-03. Review status: criteria provided, single submitter. Criteria: Invitae Variant Classification Sherloc (09022015). Collection method: clinical testing. Allele origin: germline.

Blueprint Genetics
Classification: Likely benign. Last evaluated: 2024-10-18. Review status: criteria provided, single submitter. Criteria: ACMG Guidelines, 2015. Collection method: clinical testing. Allele origin: germline.

Fulgent Genetics
Classification: Likely benign for Muscular dystrophy-dystroglycanopathy (congenital with brain and eye anomalies), type A1; Muscular dystrophy-dystroglycanopathy (congenital with brain and eye anomalies), type A, 4; Autosomal recessive limb-girdle muscular dystrophy type 2M; Dilated cardiomyopathy 1X; Muscular dystrophy-dystroglycanopathy (congenital without impaired intellectual development), type B, 4. Last evaluated: 2021-08-10. Review status: criteria provided, single submitter. Criteria: ACMG Guidelines, 2015. Collection method: clinical testing. Allele origin: unknown.

GeneDx
Classification: Likely benign. Last evaluated: 2017-07-06. Review status: criteria provided, single submitter. Criteria: GeneDx Variant Classification (06012015). Collection method: clinical testing. Allele origin: germline. Affected: yes.
Comment: This variant is considered likely benign or benign based on one or more of the following criteria: it is a conservative change, it occurs at a poorly conserved position in the protein, it is predicted to be benign by multiple in silico algorithms, and/or has population frequency not consistent with disease.

PreventionGenetics, part of Exact Sciences
Classification: Likely benign. Review status: criteria provided, single submitter. Criteria: ACMG Guidelines, 2015. Collection method: clinical testing. Allele origin: germline.